The following is an entry in ClinVar:

NM_001384732.1(CPLANE1):c.7333C>T (p.His2445Tyr)

Gene: CPLANE1 (ciliogenesis and planar polarity effector complex subunit 1; minus strand). Cytogenetic location: 5p13.2.
Variant type: single nucleotide variant.
Coding change: c.7333C>T on transcript NM_001384732.1 (MANE Select); coding-DNA position 7333, C replaced by T.
Protein change: p.His2445Tyr; replaces histidine 2445 with tyrosine.
Molecular consequence: missense variant.
Genome position (GRCh38, 1-based): chr5:37,167,114, G>A on the plus strand (C>T on the coding strand, the complement: CPLANE1 is on the minus strand). VCF-style: chr5-37167114-G-A. GRCh37 (hg19) VCF-style: chr5-37167216-G-A.
Other names: c.7333C>T, p.His2445Tyr (NM_023073.4); short protein forms H2445Y.
Identifiers: ClinVar variation 1985268 (VCV001985268.4), dbSNP rs1778456460, ClinGen allele CA359476989.

ClinVar aggregate classification (germline): Uncertain significance (1 of 4 stars; one submission).

Allele frequency attached by ClinVar (database versions not stated): gnomAD 0.00001; TOPMed 0.00002.
gnomAD v4.1: 1 of 1,613,022 alleles (0.000062%); highest among the groups gnomAD compares: Admixed American, 0.0017%; no homozygotes.

Submission:

Labcorp Genetics (formerly Invitae), Labcorp
Classification: Uncertain significance. Last evaluated: 2022-09-02. Review status: criteria provided, single submitter. Criteria: Invitae Variant Classification Sherloc (09022015). Collection method: clinical testing. Allele origin: germline.
Comment: In summary, the available evidence is currently insufficient to determine the role of this variant in disease. Therefore, it has been classified as a Variant of Uncertain Significance. Advanced modeling of protein sequence and biophysical properties (such as structural, functional, and spatial information, amino acid conservation, physicochemical variation, residue mobility, and thermodynamic stability) performed at Invitae indicates that this missense variant is not expected to disrupt CPLANE1 protein function. This variant has not been reported in the literature in individuals affected with CPLANE1-related conditions. This variant is not present in population databases (gnomAD no frequency). This sequence change replaces histidine, which is basic and polar, with tyrosine, which is neutral and polar, at codon 2445 of the CPLANE1 protein (p.His2445Tyr).